The following is an entry in ClinVar:

ClinVar aggregate classification (germline): Conflicting classifications of pathogenicity. Review status: criteria provided, conflicting classifications (1 of 4 stars). 3 submissions from 3 submitters: Uncertain significance (2); Likely benign (1). Last evaluated 2026-05-05.

Conditions:
Chuvash polycythemia. Also called: POLYCYTHEMIA, VHL-DEPENDENT. Identifiers: Orphanet 238557, MedGen C1837915, MONDO:0009892, OMIM 263400.
Pheochromocytoma. Also called: MAX-Related Hereditary Paraganglioma-Pheochromocytoma Syndrome. Identifiers: Orphanet 29072, MedGen C0031511, MONDO:0008233, OMIM 171300, HP:0002666.
Nonpapillary renal cell carcinoma. Identifiers: Orphanet 422526, MedGen CN074294, MONDO:0007763, OMIM 144700.
Von Hippel-Lindau syndrome (VHLS). Also called: Von Hippel-Lindau; VHL syndrome; von Hippel–Lindau syndrome. Identifiers: Orphanet 892, MedGen C0019562, MONDO:0008667, OMIM 193300. Disease mechanism: loss of function.
Hereditary cancer-predisposing syndrome. Also called: Tumor predisposition; Hereditary Cancer Syndrome; Neoplastic Syndromes, Hereditary; Hereditary neoplastic syndrome. Identifiers: Orphanet 140162, MedGen C0027672, MeSH D009386, MONDO:0015356.

Submissions (3):

Ambry Genetics
Classification: Likely benign for Hereditary cancer-predisposing syndrome. Last evaluated: 2026-05-05. Review status: criteria provided, single submitter. Criteria: Ambry Variant Classification Scheme 2023. Collection method: clinical testing. Allele origin: germline.

Labcorp Genetics (formerly Invitae), Labcorp
Classification: Uncertain significance for Von Hippel-Lindau syndrome; Chuvash polycythemia. Last evaluated: 2024-02-19. Review status: criteria provided, single submitter. Criteria: Invitae Variant Classification Sherloc (09022015). Collection method: clinical testing. Allele origin: germline.
Comment: This sequence change replaces isoleucine, which is neutral and non-polar, with methionine, which is neutral and non-polar, at codon 75 of the VHL protein (p.Ile75Met). This variant is not present in population databases (gnomAD no frequency). This variant has not been reported in the literature in individuals affected with VHL-related conditions. ClinVar contains an entry for this variant (Variation ID: 648755). Advanced modeling of protein sequence and biophysical properties (such as structural, functional, and spatial information, amino acid conservation, physicochemical variation, residue mobility, and thermodynamic stability) performed at Invitae indicates that this missense variant is expected to disrupt VHL protein function with a positive predictive value of 95%. In summary, the available evidence is currently insufficient to determine the role of this variant in disease. Therefore, it has been classified as a Variant of Uncertain Significance.

Fulgent Genetics
Classification: Uncertain significance for Nonpapillary renal cell carcinoma; Pheochromocytoma; Von Hippel-Lindau syndrome; Chuvash polycythemia. Last evaluated: 2024-01-03. Review status: criteria provided, single submitter. Criteria: ACMG Guidelines, 2015. Collection method: clinical testing. Allele origin: germline.

Literature cited by the submitters: PubMed 38969834 (cited by Ambry Genetics).

NM_000551.4(VHL):c.225C>G (p.Ile75Met)

Gene: VHL (von Hippel-Lindau tumor suppressor; plus strand). Cytogenetic location: 3p25.3.
Variant type: single nucleotide variant.
Coding change: c.225C>G on transcript NM_000551.4 (MANE Select); coding-DNA position 225, C replaced by G.
Protein change: p.Ile75Met; replaces isoleucine 75 with methionine.
Molecular consequence: missense variant.
Genome position (GRCh38, 1-based): chr3:10,142,072, C>G. VCF-style: chr3-10142072-C-G. GRCh37 (hg19) VCF-style: chr3-10183756-C-G.
Other names: c.225C>G, p.Ile75Met (NM_001354723.2, NM_198156.3); short protein forms I75M.
Identifiers: ClinVar variation 648755 (VCV000648755.13), dbSNP rs768104793, ClinGen allele CA351749213.